The following is an entry in ClinVar:

NM_201525.4(ADGRG1):c.429dup (p.Trp144fs)

Gene: ADGRG1 (adhesion G protein-coupled receptor G1; plus strand). Cytogenetic location: 16q21.
Variant type: Duplication.
Coding change: c.429dup on transcript NM_201525.4 (MANE Select); coding-DNA position 429, one base duplicated (G; older notation c.429dupG).
Protein change: p.Trp144fs; shifts the reading frame from tryptophan 144.
Molecular consequence: frameshift variant. On other transcripts: 5 prime UTR variant (5), intron variant (1).
Genome position (GRCh38, 1-based): chr16:57,651,564, G duplicated; the last of 2 consecutive G bases (chr16:57,651,563-57,651,564); duplicating either gives the same sequence. VCF-style (leftmost placement, unchanged base first): chr16-57651562-T-TG. GRCh37 (hg19) VCF-style: chr16-57685474-T-TG.
Other names: c.429dup, p.Trp144fs (NM_001145770.3, NM_001145771.3, NM_001145772.3 and 16 more transcripts); c.444dup, p.Trp149fs (NM_001145773.3, NM_001370433.1); c.-97dup (NM_001290143.2, NM_001290144.2, NM_001370451.1 and 2 more transcripts); c.273dup, p.Trp92fs (NM_001370442.1); c.110+319dup (NM_001290142.2); short protein forms W149fs, W92fs, W144fs.
Identifiers: ClinVar variation 1453100 (VCV001453100.6), dbSNP rs2148244740, ClinGen allele CA2573152460.
Genomic context (GRCh38, chr16:57,651,562, plus strand): 5'-CAGCACCAGGAGGAGAGCCTGGCTCAGGGCCCCCCGCTGTTAGCCACTTCTGTCACCTCC[T>TG]GGTGGAGCCCTCAGAACATCAGCCTGCCCAGTGCCGCCAGCTTCACCTTCTCCTTCCACA-3'

ClinVar aggregate classification (germline): Pathogenic (1 of 4 stars; one submission).

Submission:

Labcorp Genetics (formerly Invitae), Labcorp
Classification: Pathogenic. Last evaluated: 2021-09-25. Review status: criteria provided, single submitter. Criteria: Invitae Variant Classification Sherloc (09022015). Collection method: clinical testing. Allele origin: germline.
Comment: For these reasons, this variant has been classified as Pathogenic. This variant has not been reported in the literature in individuals affected with ADGRG1-related conditions. This variant is not present in population databases (ExAC no frequency). This sequence change creates a premature translational stop signal (p.Trp144Valfs*142) in the ADGRG1 gene. It is expected to result in an absent or disrupted protein product. Loss-of-function variants in ADGRG1 are known to be pathogenic (PMID: 15044805, 20929962).

Literature cited by the submitters: PubMed 15044805; PubMed 20929962.